The following is an entry in ClinVar:

ClinVar aggregate classification (germline): Pathogenic (1 of 4 stars; one submission).

Submission:

ISCA site 4
Classification: Pathogenic. Last evaluated: 2011-08-12. Review status: criteria provided, single submitter. Criteria: Kaminsky et al. (Genet Med. 2011). Collection method: clinical testing. Allele origin: unknown. Affected: yes. Observed: 1 variant allele.
Comment: Copy number variation identified through the course of routine clinical cytogenomic testing in postnatal populations. Clinical assertions have been curated as described in Kaminsky et al. 2011.

GRCh38/hg38 7q11.23(chr7:73352304-74869255)x1

Genes: ABHD11 (abhydrolase domain containing 11; minus strand), ABHD11-AS1 (ABHD11 antisense RNA 1 (tail to tail); plus strand), BAZ1B (bromodomain adjacent to zinc finger domain 1B; minus strand), BCL7B (BAF chromatin remodeling complex subunit BCL7B; minus strand), BUD23 (BUD23 rRNA methyltransferase and ribosome maturation factor; plus strand) and 128 more. Cytogenetic location: 7q11.23.
Variant type: copy number loss.
Change: copy number 1 (one copy instead of two) of chr7:73,352,304-74,869,255 (1.52 Mb, GRCh38 coordinates, 1-based), cytogenetic band 7q11.23.
Identifiers: ClinVar variation 57316 (VCV000057316.1).